The following continues an entry in ClinVar:

NM_012452.3(TNFRSF13B):c.310T>C (p.Cys104Arg)

Gene: TNFRSF13B. ClinVar aggregate classification (germline): Conflicting classifications of pathogenicity; risk factor. Pathogenic (21); Likely pathogenic (14); Uncertain significance (3).

Submissions 19 to 32 of 55:

Institute of Immunology and Genetics Kaiserslautern
Classification: Pathogenic for Immunodeficiency, common variable, 2. Last evaluated: 2024-07-02. Review status: criteria provided, single submitter. Criteria: ACMG Guidelines, 2015. Collection method: clinical testing. Allele origin: germline. Affected: yes.
Comment: ACMG Criteria: PS3, PS4, PM1, PM3, PM5, PP1, PP3, PP5; Variant was found in heterozygous state

Rady Children's Institute for Genomic Medicine, Rady Children's Hospital San Diego
Classification: Likely pathogenic for TNFRSF13B-related disorders. Last evaluated: 2024-04-10. Review status: criteria provided, single submitter. Criteria: ACMG Guidelines, 2015. Collection method: clinical testing. Allele origin: germline. Affected: yes.
Comment: The c.310T>C (p.Cys104Arg) variant affects a highly conserved amino acid and is predicted by multiple in silico tools to have a deleterious effect on protein function. This is a recurrent variant that has been reported as heterozygous, homozygous, and compound heterozygous change in individuals with common variable immunodeficiency (CVID), and as a heterozygous and compound heterozygous change in individuals with selective immunoglobulin A deficiency. Additionally, this variant has been reported in unaffected individuals (PMID: 23237420, 17392797, 20156508, 24051380, 16007086, 16007087, 22884984). Large case-control studies have demonstrated that the c.310T>C (p.Cys104Arg) variant is significantly enriched in patients with CVID versus healthy individuals (PMID: 17392797, 22884984). In-vitro studies showed that this variant disrupts NF-κB/NF-AT signaling and leads to defective B-cell proliferation in response to stimulation (PMID: 21419480, 23237420, 19605846). The c.310T>C (p.Cys104Arg) variant is present in the gnomAD v4 population database at a frequency of 0.5% (8719/1614226) in the heterozygous state, and in 32 individuals in the homozygous state. Based on the available evidence, the c.310T>C (p.Cys104Arg) variant is classified as Likely Pathogenic.

Institute of Human Genetics, University of Leipzig Medical Center
Classification: Pathogenic for Immune deficiency, familial variable. Last evaluated: 2023-11-27. Review status: criteria provided, single submitter. Criteria: ACMG Guidelines, 2015. Collection method: clinical testing. Allele origin: unknown. Inheritance: Autosomal dominant inheritance. Affected: yes.
Comment: Criteria applied: PS4,PS3_MOD,PM1,PM5

Laboratorio de Genetica e Diagnostico Molecular, Hospital Israelita Albert Einstein
Classification: Likely pathogenic for Immunodeficiency, common variable, 2. Last evaluated: 2022-12-22. Review status: criteria provided, single submitter. Criteria: ACMG Guidelines, 2015. Collection method: clinical testing. Allele origin: germline. Affected: yes. Observed: 6 variant alleles. Clinical features observed: Decreased total neutrophil count (HP:0001875), Sepsis (HP:0100806), Autoimmune thrombocytopenia (HP:0001973), Chronic urticaria (HP:0410133), Pneumonia (HP:0002090), Recurrent sinusitis (HP:0011108), Gastric cancer (HP:0012126), Chronic rhinitis (HP:0002257), Splenomegaly (HP:0001744), Bronchiectasis (HP:0002110), Decreased circulating immunoglobulin concentration (HP:0004313), Chronic diarrhea (HP:0002028), and 7 more.
Comment: ACMG classification criteria: PS3 supporting, PM3 moderated, PP1 moderated, PP3 supporting

Institute of Medical Genetics and Applied Genomics, University Hospital Tübingen
Classification: Likely pathogenic for Immunodeficiency, common variable, 2. Last evaluated: 2022-12-07. Review status: criteria provided, single submitter. Criteria: ACMG Guidelines, 2015. Collection method: clinical testing. Allele origin: germline. Inheritance: Autosomal recessive inheritance. Affected: yes.

Mendelics
Classification: Pathogenic for Immunodeficiency, common variable, 2. Last evaluated: 2022-05-04. Review status: criteria provided, single submitter. Criteria: Mendelics Assertion Criteria 2019. Collection method: clinical testing. Allele origin: germline.

Greenwood Genetic Center Diagnostic Laboratories, Greenwood Genetic Center
Classification: Likely pathogenic for Immunodeficiency, common variable, 2. Last evaluated: 2022-04-26. Review status: criteria provided, single submitter. Criteria: ACMG Guidelines, 2015. Collection method: clinical testing. Allele origin: germline. Affected: yes.
Comment: PS3 PM1 PP3

AiLife Diagnostics
Classification: Pathogenic. Last evaluated: 2022-03-09. Review status: criteria provided, single submitter. Criteria: ACMG Guidelines, 2015. Collection method: clinical testing. Allele origin: germline. Affected: yes. Observed: 2 variant alleles.

GeneDx
Classification: Pathogenic. Last evaluated: 2022-01-10. Review status: criteria provided, single submitter. Criteria: GeneDx Variant Classification Process June 2021. Collection method: clinical testing. Allele origin: germline. Affected: yes.
Comment: Reported previously in association with both autosomal dominant and autosomal recessive forms of CVID and immunoglobulin A deficiency; however, this variant is most commonly associated with autosomal recessive inheritance (Salzer et al., 2009; Barroeta Seijas et al., 2012; Speletas et al., 2013; Martinez-Gallo et al., 2013; Lucena et al., 2015); Published functional studies demonstrate C104R results in reduced surface expression and elimination of ligand binding, supporting a damaging effect (Lee et al., 2010; Fried et al., 2011); In silico analysis supports that this missense variant has a deleterious effect on protein structure/function; This variant is associated with the following publications: (PMID: 25326637, 24051380, 17392797, 30269248, 17492055, 26727773, 22983507, 22697072, 20889194, 23956760, 23237420, 16007086, 19210517, 16007087, 18981294, 22884984, 25174870, 21850030, 27123465, 26100089, 27577878, 16630947, 29146883, 29867916, 29555771, 29921932, 29114388, 30665703, 31681265, 31618753, 32499645, 32581362, 21419480, 34573280, 34426522, 34210994, 30755392, 33425813, 33258288, 32441320, 32531373, 33726816)

Laboratory of Medical Genetics, National & Kapodistrian University of Athens
Classification: Likely pathogenic for Immunodeficiency, common variable, 2. Last evaluated: 2021-10-06. Review status: criteria provided, single submitter. Criteria: ACMG Guidelines, 2015. Collection method: clinical testing. Allele origin: unknown.
Comment: PM2, PM5, PP3, PP5

Institute of Human Genetics, University of Leipzig Medical Center
Classification: Pathogenic for Immunodeficiency, common variable, 2. Last evaluated: 2020-12-03. Review status: criteria provided, single submitter. Criteria: ACMG Guidelines, 2015. Collection method: clinical testing. Allele origin: unknown. Affected: yes.

Mayo Clinic Laboratories, Mayo Clinic
Classification: Pathogenic. Last evaluated: 2020-09-29. Review status: criteria provided, single submitter. Criteria: ACMG Guidelines, 2015. Collection method: clinical testing. Allele origin: germline. Observed: 2 variant alleles.
Comment: PS3, PS4_moderate, PP3

Genetics and Genomic Medicine Centre, NeuroGen Healthcare, NeuroGen Healthcare
Classification: Likely pathogenic for Immunodeficiency, common variable, 2. Last evaluated: 2020-09-13. Review status: criteria provided, single submitter. Criteria: Submitter's publication. Collection method: clinical testing. Allele origin: unknown. Affected: no.

Genetic Services Laboratory, University of Chicago
Classification: Likely pathogenic. Last evaluated: 2020-04-20. Review status: criteria provided, single submitter. Criteria: ACMG Guidelines, 2015. Collection method: clinical testing. Allele origin: germline. Affected: yes.
Comment: DNA sequence analysis of the TNFRSF13B gene demonstrated a sequence change, c.310T>C, in exon 3 that results in an amino acid change, p.Cys104Arg. This sequence change has been described in the gnomAD database with a relatively high population frequency of 0.54% in European populations (dbSNP rs34557412). The p.Cys104Arg change affects a highly conserved amino acid residue located in a domain of the TNFRSF13B protein that is known to be functional. In-silico pathogenicity prediction tools (SIFT, PolyPhen2, Align GVGD, REVEL) provide contradictory results for the p.Cys104Arg substitution. The p.Cys104Arg change has been reported in the homozygous, compound heterozygous, and heterozygous states in many individuals affected with common variable immunodeficiency (CVID) (PMID: 16007087, 17392797, 22697072, 27123465, 24051380, 19779048). Individuals who are heterozygous for this sequence change have been reported with an increased number of autoreactive B-cells in the bone marrow (PMID: 24051380). This sequence has also been seen in the heterozygous state in multiple unaffected individuals, however functional studies on B cells of these individuals show impaired function compared to unaffected individuals without variants in TNFRSF13B (PMID: 23237420, 24051380). The p.Cys104Arg change has been reported to segregate with disease in several families; however, it appears to have reduced penetrance (PMID: 16007087, 19779048, 22983507, 22697072, 22884984, 23237420). Functional studies have demonstrated that this sequence change affects ligand binding and reduces protein expression (PMID: 16007087, 21419480, 23237420). This sequence change is predicted to confer an increased risk for the development of CVID and is may confer an increased risk for lymphoma. We interpret this change as likely pathogenic.